The following is an entry in ClinVar:

ClinVar aggregate classification (germline): Uncertain significance (1 of 4 stars; one submission).

Allele frequency attached by ClinVar (database versions not stated): gnomAD exomes 0.00001.
gnomAD v4.1: 13 of 1,576,468 alleles (0.00082%); highest among the groups gnomAD compares: Admixed American, 0.0019%; no homozygotes.

Submission:

Labcorp Genetics (formerly Invitae), Labcorp
Classification: Uncertain significance. Last evaluated: 2024-02-29. Review status: criteria provided, single submitter. Criteria: Invitae Variant Classification Sherloc (09022015). Collection method: clinical testing. Allele origin: germline.
Comment: This sequence change replaces aspartic acid, which is acidic and polar, with asparagine, which is neutral and polar, at codon 1538 of the MYH14 protein (p.Asp1538Asn). This variant is not present in population databases (gnomAD no frequency). This variant has not been reported in the literature in individuals affected with MYH14-related conditions. Advanced modeling of protein sequence and biophysical properties (such as structural, functional, and spatial information, amino acid conservation, physicochemical variation, residue mobility, and thermodynamic stability) performed at Invitae indicates that this missense variant is expected to disrupt MYH14 protein function with a positive predictive value of 80%. In summary, the available evidence is currently insufficient to determine the role of this variant in disease. Therefore, it has been classified as a Variant of Uncertain Significance.

NM_001145809.2(MYH14):c.4735G>A (p.Asp1579Asn)

Gene: MYH14 (myosin heavy chain 14; plus strand). Cytogenetic location: 19q13.33.
Variant type: single nucleotide variant.
Coding change: c.4735G>A on transcript NM_001145809.2 (MANE Select); coding-DNA position 4735, G replaced by A.
Protein change: p.Asp1579Asn; replaces aspartic acid 1579 with asparagine.
Molecular consequence: missense variant.
Genome position (GRCh38, 1-based): chr19:50,286,677, G>A. VCF-style: chr19-50286677-G-A. GRCh37 (hg19) VCF-style: chr19-50789934-G-A.
Other names: c.4636G>A, p.Asp1546Asn (NM_001077186.2); c.4612G>A, p.Asp1538Asn (NM_024729.4); short protein forms D1546N, D1579N, D1538N.
Identifiers: ClinVar variation 2873984 (VCV002873984.3), dbSNP rs2514443974, ClinGen allele CA406959452.